The following is an entry in ClinVar:

NM_000213.5(ITGB4):c.319C>T (p.Arg107Trp)

Gene: ITGB4 (integrin subunit beta 4; plus strand). Cytogenetic location: 17q25.1.
Variant type: single nucleotide variant.
Coding change: c.319C>T on transcript NM_000213.5 (MANE Select); coding-DNA position 319, C replaced by T.
Protein change: p.Arg107Trp; replaces arginine 107 with tryptophan.
Molecular consequence: missense variant.
Genome position (GRCh38, 1-based): chr17:75,727,705, C>T. VCF-style: chr17-75727705-C-T. GRCh37 (hg19) VCF-style: chr17-73723786-C-T.
Other names: c.319C>T (NM_001005731.1); c.319C>T, p.Arg107Trp (NM_001005619.2, NM_001005731.3, NM_001321123.2); short protein forms R107W.
Identifiers: ClinVar variation 1903661 (VCV001903661.3), dbSNP rs777522343, ClinGen allele CA8768638.

ClinVar aggregate classification (germline): Uncertain significance. Review status: criteria provided, multiple submitters, no conflicts (2 of 4 stars). 2 submissions from 2 submitters: Uncertain significance (2). Last evaluated 2025-08-11.

Conditions:
Inborn genetic diseases. Identifiers: MedGen C0950123, MeSH D030342.

Allele frequency attached by ClinVar (database versions not stated): ExAC 0.00001; gnomAD 0.00002.
gnomAD v4.1: 16 of 1,612,664 alleles (0.00099%); highest among the groups gnomAD compares: Middle Eastern, 0.018%; no homozygotes.

Submissions (2):

Ambry Genetics
Classification: Uncertain significance for Inborn genetic diseases. Last evaluated: 2025-08-11. Review status: criteria provided, single submitter. Criteria: Ambry Variant Classification Scheme 2023. Collection method: clinical testing. Allele origin: germline.

Labcorp Genetics (formerly Invitae), Labcorp
Classification: Uncertain significance. Last evaluated: 2022-04-07. Review status: criteria provided, single submitter. Criteria: Invitae Variant Classification Sherloc (09022015). Collection method: clinical testing. Allele origin: germline.
Comment: This sequence change replaces arginine, which is basic and polar, with tryptophan, which is neutral and slightly polar, at codon 107 of the ITGB4 protein (p.Arg107Trp). This variant is present in population databases (rs777522343, gnomAD 0.006%). This variant has not been reported in the literature in individuals affected with ITGB4-related conditions. Algorithms developed to predict the effect of missense changes on protein structure and function are either unavailable or do not agree on the potential impact of this missense change (SIFT: "Not Available"; PolyPhen-2: "Possibly Damaging"; Align-GVGD: "Not Available"). In summary, the available evidence is currently insufficient to determine the role of this variant in disease. Therefore, it has been classified as a Variant of Uncertain Significance.